The following is an entry in ClinVar:

ClinVar aggregate classification (germline): Likely benign (0 of 4 stars; one submission).

Conditions:
ACACB-related disorder. Also called: ACACB-related condition.

Allele frequency attached by ClinVar (database versions not stated): gnomAD exomes below 0.00001; TOPMed below 0.00001; gnomAD 0.00001.
gnomAD v4.1: 2 of 1,613,134 alleles (0.00012%); highest among the groups gnomAD compares: Non-Finnish European, 0.00017%; no homozygotes.

Submission:

PreventionGenetics, part of Exact Sciences
Classification: Likely benign for ACACB-related condition. Last evaluated: 2023-03-25. Review status: no assertion criteria provided. Collection method: clinical testing. Allele origin: germline.
Comment: This variant is classified as likely benign based on ACMG/AMP sequence variant interpretation guidelines (Richards et al. 2015 PMID: 25741868, with internal and published modifications).

NM_001093.4(ACACB):c.1819-7A>G

Gene: ACACB (acetyl-CoA carboxylase beta; plus strand). Cytogenetic location: 12q24.11.
Variant type: single nucleotide variant.
Coding change: c.1819-7A>G on transcript NM_001093.4 (MANE Select); 7 bases into the intron before coding-DNA position 1819, A replaced by G.
Molecular consequence: intron variant.
Genome position (GRCh38, 1-based): chr12:109,185,572, A>G. VCF-style: chr12-109185572-A-G. GRCh37 (hg19) VCF-style: chr12-109623377-A-G.
Other names: c.1819-7A>G (NM_001412734.1, NM_001412735.1); c.1192-7A>G (NM_001412737.1); c.1213-7A>G (NM_001412736.1, NM_001412738.1, NM_001412739.1 and 2 more transcripts).
Identifiers: ClinVar variation 3047386 (VCV003047386.2), dbSNP rs1012220511, ClinGen allele CA243412643.